The following is an entry in ClinVar:

ClinVar aggregate classification (germline): Uncertain significance (1 of 4 stars; one submission).

Conditions:
PMM2-congenital disorder of glycosylation. Also called: PMM2-CDG; Congenital disorder of glycosylation, type Ia; CDG Ia; JAEKEN SYNDROME; PHOSPHOMANNOMUTASE 2 DEFICIENCY; CARBOHYDRATE-DEFICIENT GLYCOPROTEIN SYNDROME, TYPE Ia. Identifiers: Orphanet 79318, MedGen C0349653, MONDO:0008907, OMIM 212065.

Allele frequency attached by ClinVar (database versions not stated): ExAC 0.00002.
gnomAD v4.1: 4 of 1,613,850 alleles (0.00025%); highest among the groups gnomAD compares: Admixed American, 0.0017%; no homozygotes.

Submission:

Labcorp Genetics (formerly Invitae), Labcorp
Classification: Uncertain significance for PMM2-congenital disorder of glycosylation. Last evaluated: 2023-06-24. Review status: criteria provided, single submitter. Criteria: Invitae Variant Classification Sherloc (09022015). Collection method: clinical testing. Allele origin: germline.
Comment: In summary, the available evidence is currently insufficient to determine the role of this variant in disease. Therefore, it has been classified as a Variant of Uncertain Significance. Advanced modeling of protein sequence and biophysical properties (such as structural, functional, and spatial information, amino acid conservation, physicochemical variation, residue mobility, and thermodynamic stability) performed at Invitae indicates that this missense variant is expected to disrupt PMM2 protein function. This variant has not been reported in the literature in individuals affected with PMM2-related conditions. This variant is present in population databases (rs748834946, gnomAD 0.003%). This sequence change replaces isoleucine, which is neutral and non-polar, with methionine, which is neutral and non-polar, at codon 220 of the PMM2 protein (p.Ile220Met).

NM_000303.3(PMM2):c.660C>G (p.Ile220Met)

Gene: PMM2 (phosphomannomutase 2; plus strand). Cytogenetic location: 16p13.2.
Variant type: single nucleotide variant.
Coding change: c.660C>G on transcript NM_000303.3 (MANE Select); coding-DNA position 660, C replaced by G.
Protein change: p.Ile220Met; replaces isoleucine 220 with methionine.
Molecular consequence: missense variant.
Genome position (GRCh38, 1-based): chr16:8,847,744, C>G. VCF-style: chr16-8847744-C-G. GRCh37 (hg19) VCF-style: chr16-8941601-C-G.
Other names: short protein forms I220M.
Identifiers: ClinVar variation 2729954 (VCV002729954.3), dbSNP rs748834946, ClinGen allele CA7894198.